The following is an entry in ClinVar:

ClinVar aggregate classification (germline): Uncertain significance. Review status: criteria provided, multiple submitters, no conflicts (2 of 4 stars). 2 submissions from 2 submitters: Uncertain significance (2). Last evaluated 2025-11-01.

Conditions:
Autosomal dominant epilepsy with auditory features. Identifiers: Orphanet 101046, MedGen C1838062, MONDO:0010898.

Submissions (2):

CeGaT Center for Human Genetics Tuebingen
Classification: Uncertain significance. Last evaluated: 2025-11-01. Review status: criteria provided, single submitter. Criteria: CeGaT Center For Human Genetics Tuebingen Variant Classification Criteria Version 2. Collection method: clinical testing. Allele origin: germline. Affected: yes. Observed: 1 variant allele.

Labcorp Genetics (formerly Invitae), Labcorp
Classification: Uncertain significance for Autosomal dominant epilepsy with auditory features. Last evaluated: 2023-07-25. Review status: criteria provided, single submitter. Criteria: Invitae Variant Classification Sherloc (09022015). Collection method: clinical testing. Allele origin: germline.
Comment: ClinVar contains an entry for this variant (Variation ID: 1058871). In summary, the available evidence is currently insufficient to determine the role of this variant in disease. Therefore, it has been classified as a Variant of Uncertain Significance. Variants that disrupt the consensus splice site are a relatively common cause of aberrant splicing (PMID: 17576681, 9536098). Algorithms developed to predict the effect of sequence changes on RNA splicing suggest that this variant is not likely to affect RNA splicing. This variant has not been reported in the literature in individuals affected with LGI1-related conditions. This variant is not present in population databases (gnomAD no frequency). This sequence change falls in intron 4 of the LGI1 gene. It does not directly change the encoded amino acid sequence of the LGI1 protein. It affects a nucleotide within the consensus splice site.

Literature cited by the submitters: PubMed 17576681 (cited by Labcorp Genetics (formerly Invitae), Labcorp); PubMed 9536098 (cited by Labcorp Genetics (formerly Invitae), Labcorp).

NM_005097.4(LGI1):c.432-3dup

Gene: LGI1 (leucine rich glioma inactivated 1; plus strand). Cytogenetic location: 10q23.33.
Variant type: Duplication.
Coding change: c.432-3dup on transcript NM_005097.4 (MANE Select); 3 bases into the intron before coding-DNA position 432, one base duplicated (C; older notation c.432-3dupC).
Molecular consequence: intron variant.
Genome position (GRCh38, 1-based): chr10:93,790,096, C duplicated; the last of 2 consecutive C bases (chr10:93,790,095-93,790,096); duplicating either gives the same sequence. VCF-style (leftmost placement, unchanged base first): chr10-93790094-T-TC. GRCh37 (hg19) VCF-style: chr10-95549851-T-TC.
Other names: c.432-3dup (NM_001308275.2); c.288-3dup (NM_001308276.2).
Identifiers: ClinVar variation 1058871 (VCV001058871.14), dbSNP rs1554906720, ClinGen allele CA670098653.